The following is an entry in ClinVar:

NM_002539.3(ODC1):c.1105C>T (p.Arg369Cys)

Gene: ODC1 (ornithine decarboxylase 1; minus strand). Cytogenetic location: 2p25.1.
Variant type: single nucleotide variant.
Coding change: c.1105C>T on transcript NM_002539.3 (MANE Select); coding-DNA position 1105, C replaced by T.
Protein change: p.Arg369Cys; replaces arginine 369 with cysteine.
Molecular consequence: missense variant.
Genome position (GRCh38, 1-based): chr2:10,441,645, G>A on the plus strand (C>T on the coding strand, the complement: ODC1 is on the minus strand). VCF-style: chr2-10441645-G-A. GRCh37 (hg19) VCF-style: chr2-10581771-G-A.
Other names: c.718C>T, p.Arg240Cys (NM_001287188.2); c.1105C>T, p.Arg369Cys (NM_001287189.2, NM_001287190.2); short protein forms R240C, R369C.
Identifiers: ClinVar variation 1879458 (VCV001879458.29), dbSNP rs371443385, ClinGen allele CA1526767.

ClinVar aggregate classification (germline): Benign (1 of 4 stars; one submission).

Allele frequency attached by ClinVar (database versions not stated): TOPMed 0.00003; gnomAD 0.00006; ESP Exome Variant Server 0.00008; gnomAD exomes 0.00010; 1000 Genomes Project 30x 0.00016; ExAC 0.00016; 1000 Genomes Project 0.00020.
gnomAD v4.1: 152 of 1,614,158 alleles (0.0094%); highest among the groups gnomAD compares: South Asian, 0.031%; 1 homozygote.

Submission:

CeGaT Center for Human Genetics Tuebingen
Classification: Benign. Last evaluated: 2022-10-01. Review status: criteria provided, single submitter. Criteria: CeGaT Center For Human Genetics Tuebingen Variant Classification Criteria Version 2. Collection method: clinical testing. Allele origin: germline. Affected: yes. Observed: 1 variant allele.
Comment: ODC1: BP1, BP4, BP5, BS2